The following is an entry in ClinVar:

NM_017780.4(CHD7):c.8125G>T (p.Val2709Leu)

Gene: CHD7 (chromodomain helicase DNA binding protein 7; plus strand). Cytogenetic location: 8q12.2.
Variant type: single nucleotide variant.
Coding change: c.8125G>T on transcript NM_017780.4 (MANE Select); coding-DNA position 8125, G replaced by T.
Protein change: p.Val2709Leu; replaces valine 2709 with leucine.
Molecular consequence: missense variant.
Genome position (GRCh38, 1-based): chr8:60,865,064, G>T. VCF-style: chr8-60865064-G-T. GRCh37 (hg19) VCF-style: chr8-61777623-G-T.
Other names: c.1978G>T, p.Val660Leu (NM_001316690.1); short protein forms V660L, V2709L.
Identifiers: ClinVar variation 4700603 (VCV004700603.1).

ClinVar aggregate classification (germline): Uncertain significance (1 of 4 stars; one submission).

Conditions:
CHARGE syndrome (CHARGE). Also called: Hittner Hirsch Kreh syndrome; CHARGE ASSOCIATION--COLOBOMA, HEART ANOMALY, CHOANAL ATRESIA, RETARDATION, GENITAL AND EAR ANOMALIES; Coloboma, heart anomaly, choanal atresia, retardation, genital and ear anomalies; CHARGE association; Hall-Hittner syndrome. Identifiers: Orphanet 138, MedGen C0265354, MONDO:0008965.

gnomAD v4.1: 1 of 1,609,644 alleles (0.000062%); highest among the groups gnomAD compares: South Asian, 0.0011%; no homozygotes.

Submission:

Labcorp Genetics (formerly Invitae), Labcorp
Classification: Uncertain significance for CHARGE syndrome. Last evaluated: 2025-02-02. Review status: criteria provided, single submitter. Criteria: Invitae Variant Classification Sherloc (09022015). Collection method: clinical testing. Allele origin: germline.
Comment: This sequence change replaces valine, which is neutral and non-polar, with leucine, which is neutral and non-polar, at codon 2709 of the CHD7 protein (p.Val2709Leu). This variant is not present in population databases (gnomAD no frequency). This variant has not been reported in the literature in individuals affected with CHD7-related conditions. Invitae Evidence Modeling of protein sequence and biophysical properties (such as structural, functional, and spatial information, amino acid conservation, physicochemical variation, residue mobility, and thermodynamic stability) indicates that this missense variant is not expected to disrupt CHD7 protein function with a negative predictive value of 95%. In summary, the available evidence is currently insufficient to determine the role of this variant in disease. Therefore, it has been classified as a Variant of Uncertain Significance.